The following is an entry in ClinVar:

ClinVar aggregate classification (germline): Likely pathogenic (1 of 4 stars; one submission).

Conditions:
Primary ciliary dyskinesia 29. Also called: CILIARY DYSKINESIA, PRIMARY, 29, WITHOUT SITUS INVERSUS. Identifiers: Orphanet 244, MedGen C4014534, MONDO:0014378, OMIM 615872.

Submission:

Laboratorio de Genetica e Diagnostico Molecular, Hospital Israelita Albert Einstein
Classification: Likely pathogenic for Primary ciliary dyskinesia 29. Last evaluated: 2026-03-26. Review status: criteria provided, single submitter. Criteria: ACMG Guidelines, 2015. Collection method: clinical testing. Allele origin: germline. Affected: yes.
Comment: ACMG classification criteria: PVS1 strong, PM2 supporting, PM3 supporting

NM_021147.5(CCNO):c.909del (p.Leu303fs)

Gene: CCNO (cyclin O; minus strand). Cytogenetic location: 5q11.2.
Variant type: Deletion.
Coding change: c.909del on transcript NM_021147.5 (MANE Select); coding-DNA position 909, one base deleted (G; older notation c.909delG).
Protein change: p.Leu303fs; shifts the reading frame from leucine 303.
Molecular consequence: frameshift variant. On other transcripts: non-coding transcript variant (3).
Genome position (GRCh38, 1-based): chr5:55,231,519, C deleted on the plus strand (G on the coding strand, the reverse complement: CCNO is on the minus strand). VCF-style (leftmost placement, unchanged base first): chr5-55231518-GC-G. GRCh37 (hg19) VCF-style: chr5-54527346-GC-G.
Other names: short protein forms L303fs.
Identifiers: ClinVar variation 4846983 (VCV004846983.1).